The following is an entry in ClinVar:

ClinVar aggregate classification (germline): Likely benign. Review status: criteria provided, multiple submitters, no conflicts (2 of 4 stars). 2 submissions from 2 submitters: Likely benign (2). Last evaluated 2023-12-22.

Conditions:
RASopathy. Also called: rasopathies; Noonan spectrum disorder. Identifiers: Orphanet 536391, MedGen C5555857, MONDO:0021060.

Allele frequency attached by ClinVar (database versions not stated): gnomAD exomes below 0.00001.
gnomAD v4.1: 2 of 1,562,952 alleles (0.00013%); highest among the groups gnomAD compares: Non-Finnish European, 0.00017%; no homozygotes.

Submissions (2):

Labcorp Genetics (formerly Invitae), Labcorp
Classification: Likely benign for RASopathy. Last evaluated: 2023-12-22. Review status: criteria provided, single submitter. Criteria: Invitae Variant Classification Sherloc (09022015). Collection method: clinical testing. Allele origin: germline.

CeGaT Center for Human Genetics Tuebingen
Classification: Likely benign. Last evaluated: 2022-12-01. Review status: criteria provided, single submitter. Criteria: CeGaT Center For Human Genetics Tuebingen Variant Classification Criteria Version 2. Collection method: clinical testing. Allele origin: germline. Affected: yes. Observed: 1 variant allele.
Comment: MAP2K1: BP4, BP7

NM_002755.4(MAP2K1):c.9G>A (p.Lys3=)

Gene: MAP2K1 (mitogen-activated protein kinase kinase 1; plus strand). Cytogenetic location: 15q22.31.
Variant type: single nucleotide variant.
Coding change: c.9G>A on transcript NM_002755.4 (MANE Select); coding-DNA position 9, G replaced by A.
Protein change: p.Lys3=; no amino-acid change (lysine 3 retained).
Molecular consequence: synonymous variant.
Genome position (GRCh38, 1-based): chr15:66,387,356, G>A. VCF-style: chr15-66387356-G-A. GRCh37 (hg19) VCF-style: chr15-66679694-G-A.
Identifiers: ClinVar variation 2645468 (VCV002645468.27), dbSNP rs1208310528, ClinGen allele CA490851376.
Genomic context (GRCh38, chr15:66,387,356, plus strand): 5'-CGAGAGGTGCTGCCCTCCCCCCGGAGTTGGAAGCGCGTTACCCGGGTCCAAAATGCCCAA[G>A]AAGAAGCCGACGCCCATCCAGCTGAACCCGGCCCCCGACGGCTCTGCAGTTAACGGGACC-3'
Protein context (NP_002746.1, residues 1-13): MP[Lys3=]KKPTPIQLNP